The following is an entry in ClinVar:

ClinVar aggregate classification (germline): Likely benign (1 of 4 stars; one submission).

Allele frequency attached by ClinVar (database versions not stated): gnomAD exomes 0.00028; ExAC 0.00099; 1000 Genomes Project 0.00180; 1000 Genomes Project 30x 0.00203; gnomAD 0.00241; TOPMed 0.00287; ESP Exome Variant Server 0.00315.

Submission:

CeGaT Center for Human Genetics Tuebingen
Classification: Likely benign. Last evaluated: 2022-10-01. Review status: criteria provided, single submitter. Criteria: CeGaT Center For Human Genetics Tuebingen Variant Classification Criteria Version 2. Collection method: clinical testing. Allele origin: germline. Affected: yes. Observed: 1 variant allele.
Comment: PCDHB11: BP4, BP7

NM_018931.3(PCDHB11):c.1416T>C (p.Ser472=)

Genes: PCDHB11 (protocadherin beta 11; plus strand), PCDHB@ (protocadherin beta cluster; plus strand). Cytogenetic location: 5q31.3.
Variant type: single nucleotide variant.
Coding change: c.1416T>C on transcript NM_018931.3 (MANE Select); coding-DNA position 1416, T replaced by C.
Protein change: p.Ser472=; no amino-acid change (serine 472 retained).
Molecular consequence: synonymous variant.
Genome position (GRCh38, 1-based): chr5:141,201,190, T>C. VCF-style: chr5-141201190-T-C. GRCh37 (hg19) VCF-style: chr5-140580763-T-C.
Identifiers: ClinVar variation 2655830 (VCV002655830.24), dbSNP rs116633623, ClinGen allele CA3462551.